The following is an entry in ClinVar:

NM_013319.3(UBIAD1):c.*1060G>A

Gene: UBIAD1 (UbiA prenyltransferase domain containing 1; plus strand). Cytogenetic location: 1p36.22.
Variant type: single nucleotide variant.
Coding change: c.*1060G>A on transcript NM_013319.3 (MANE Select); 1060 bases downstream of the stop codon, G replaced by A.
Molecular consequence: 3 prime UTR variant. On other transcripts: intron variant (2).
Genome position (GRCh38, 1-based): chr1:11,287,191, G>A. VCF-style: chr1-11287191-G-A. GRCh37 (hg19) VCF-style: chr1-11347248-G-A.
Other names: c.618+1459G>A (NM_001330349.2); c.530-7682G>A (NM_001330350.2).
Identifiers: ClinVar variation 291891 (VCV000291891.6), dbSNP rs115210853, ClinGen allele CA10607546.

ClinVar aggregate classification (germline): Benign. Review status: criteria provided, multiple submitters, no conflicts (2 of 4 stars). 2 submissions from 2 submitters: Benign (2). Last evaluated 2018-01-13.

Conditions:
Schnyder crystalline corneal dystrophy (SCCD). Also called: Crystalline corneal dystrophy; Schnyder corneal dystrophy. Identifiers: Orphanet 98967, MedGen C0271287, MONDO:0007374, OMIM 121800.

Allele frequency attached by ClinVar (database versions not stated): 1000 Genomes Project 30x 0.01405; 1000 Genomes Project 0.01398; gnomAD 0.01735 and 0.01873; TOPMed 0.01974.

Submissions (2):

Illumina Laboratory Services, Illumina
Classification: Benign for Schnyder crystalline corneal dystrophy. Last evaluated: 2018-01-13. Review status: criteria provided, single submitter. Criteria: ICSL Variant Classification Criteria 13 December 2019. Collection method: clinical testing. Allele origin: germline.
Comment: This variant was observed in the ICSL laboratory as part of a predisposition screen in an ostensibly healthy population. It had not been previously curated by ICSL or reported in the Human Gene Mutation Database (HGMD: prior to June 1st, 2018), and was therefore a candidate for classification through an automated scoring system. Utilizing variant allele frequency, disease prevalence and penetrance estimates, and inheritance mode, an automated score was calculated to assess if this variant is too frequent to cause the disease. Based on the score and internal cut-off values, a variant classified as benign is not then subjected to further curation. The score for this variant resulted in a classification of benign for this disease.

Breakthrough Genomics
Classification: Benign. Review status: criteria provided, single submitter. Criteria: ACMG Guidelines, 2015. Collection method: not provided. Allele origin: germline. Inheritance: Autosomal dominant inheritance. Affected: yes.